The following is an entry in ClinVar:

ClinVar aggregate classification (germline): Uncertain significance (1 of 4 stars; one submission).

Conditions:
Familial isolated arrhythmogenic right ventricular dysplasia. Identifiers: Orphanet 217656, MedGen C4274968, MONDO:0016342.

Allele frequency attached by ClinVar (database versions not stated): gnomAD exomes below 0.00001.
gnomAD v4.1: 2 of 1,613,992 alleles (0.00012%); highest among the groups gnomAD compares: Non-Finnish European, 0.00017%; no homozygotes.

Submission:

All of Us Research Program, National Institutes of Health
Classification: Uncertain significance for Familial isolated arrhythmogenic right ventricular dysplasia. Last evaluated: 2023-10-23. Review status: criteria provided, single submitter. Criteria: ACMG Guidelines, 2015. Collection method: clinical testing. Allele origin: germline. Inheritance: Autosomal dominant inheritance. Observed: 1 variant allele, 1 heterozygote.
Comment: This missense variant replaces valine with alanine at codon 619 of the DSC2 protein. Computational prediction suggests that this variant may not impact protein structure and function (internally defined REVEL score threshold <= 0.5, PMID: 27666373). To our knowledge, functional studies have not been reported for this variant. This variant has not been reported in individuals affected with DSC2-related disorders in the literature. This variant has not been identified in the general population by the Genome Aggregation Database (gnomAD). The available evidence is insufficient to determine the role of this variant in disease conclusively. Therefore, this variant is classified as a Variant of Uncertain Significance.

This study involves interpretation of variants in research participants for the purpose of population health screening. Participant phenotype was not available at the time of variant classification. Additional details can be found in publication PMID: 35346344, PMCID: PMC8962531

NM_024422.6(DSC2):c.1856T>C (p.Val619Ala)

Gene: DSC2 (desmocollin 2; minus strand). Cytogenetic location: 18q12.1.
Variant type: single nucleotide variant.
Coding change: c.1856T>C on transcript NM_024422.6 (MANE Select); coding-DNA position 1856, T replaced by C.
Protein change: p.Val619Ala; replaces valine 619 with alanine.
Molecular consequence: missense variant.
Genome position (GRCh38, 1-based): chr18:31,074,715, A>G on the plus strand (T>C on the coding strand, the complement: DSC2 is on the minus strand). VCF-style: chr18-31074715-A-G. GRCh37 (hg19) VCF-style: chr18-28654681-A-G.
Other names: c.1427T>C, p.Val476Ala (NM_001406506.1, NM_001406507.1); c.1856T>C, p.Val619Ala (NM_004949.5); short protein forms V476A, V619A.
Identifiers: ClinVar variation 3074051 (VCV003074051.1), dbSNP rs2510942664, ClinGen allele CA402113815.